The following is an entry in ClinVar:

NM_000051.4(ATM):c.3723C>T (p.Tyr1241=)

Gene: ATM (ATM serine/threonine kinase; plus strand). Cytogenetic location: 11q22.3.
Variant type: single nucleotide variant.
Coding change: c.3723C>T on transcript NM_000051.4 (MANE Select); coding-DNA position 3723, C replaced by T.
Protein change: p.Tyr1241=; no amino-acid change (tyrosine 1241 retained).
Molecular consequence: synonymous variant.
Genome position (GRCh38, 1-based): chr11:108,282,856, C>T. VCF-style: chr11-108282856-C-T. GRCh37 (hg19) VCF-style: chr11-108153583-C-T.
Other names: c.3723C>T, p.Tyr1241= (NM_001351834.2).
Identifiers: ClinVar variation 453485 (VCV000453485.17), dbSNP rs772331389, ClinGen allele CA6265336.
Genomic context (GRCh38, chr11:108,282,856, plus strand): 5'-GCTAAATCTTCAAGATACTGAATACAACTTATCTTCTTTTCCTTTTATTTTATTAAACTA[C>T]ACAAATATTGAGGATTTCTATAGGTAAGTTTATACATGACATATGTGAAATTTGTTTAAT-3'
Protein context (NP_000042.3, residues 1231-1251): LSSFPFILLN[Tyr1241=]TNIEDFYRSC

ClinVar aggregate classification (germline): Benign/Likely benign. Review status: criteria provided, multiple submitters, no conflicts (2 of 4 stars). 6 submissions from 6 submitters: Benign (1); Likely benign (5). Last evaluated 2025-12-29.

Conditions:
Hereditary cancer-predisposing syndrome. Also called: Neoplastic Syndromes, Hereditary; Hereditary Cancer Syndrome; Hereditary neoplastic syndrome; Tumor predisposition. Identifiers: Orphanet 140162, MedGen C0027672, MeSH D009386, MONDO:0015356.
Familial cancer of breast. Also called: hereditary breast carcinoma; Hereditary breast cancer; BREAST CANCER, FAMILIAL. Identifiers: Orphanet 227535, MedGen C0346153, MONDO:0016419, OMIM 114480. Disease mechanism: loss of function.
Ataxia-telangiectasia syndrome (AT). Also called: Ataxia-telangiectasia, complementation group D; AT, COMPLEMENTATION GROUP C; ATAXIA-TELANGIECTASIA, COMPLEMENTATION GROUP A; ATAXIA-TELANGIECTASIA, FRESNO VARIANT; Cerebello-oculocutaneous telangiectasia; Immunodeficiency with ataxia telangiectasia. Identifiers: Orphanet 100, MedGen C0004135, MONDO:0008840, OMIM 208900.

Allele frequency attached by ClinVar (database versions not stated): gnomAD 0.00001; gnomAD exomes 0.00001; TOPMed 0.00001; ExAC 0.00002.
gnomAD v4.1: 10 of 1,512,176 alleles (0.00066%); highest among the groups gnomAD compares: South Asian, 0.01%; no homozygotes.

Submissions (6):

Center for Genomic Medicine, Rigshospitalet, Copenhagen University Hospital
Classification: Likely benign. Last evaluated: 2025-12-29. Review status: criteria provided, single submitter. Criteria: ACMG Guidelines, 2015. Collection method: clinical testing. Allele origin: germline.

Labcorp Genetics (formerly Invitae), Labcorp
Classification: Likely benign for Ataxia-telangiectasia syndrome. Last evaluated: 2025-10-13. Review status: criteria provided, single submitter. Criteria: Invitae Variant Classification Sherloc (09022015). Collection method: clinical testing. Allele origin: germline.

Ambry Genetics
Classification: Likely benign for Hereditary cancer-predisposing syndrome. Last evaluated: 2024-10-31. Review status: criteria provided, single submitter. Criteria: Ambry Variant Classification Scheme 2023. Collection method: clinical testing. Allele origin: germline.

Myriad Genetics, Inc.
Classification: Benign for Familial cancer of breast. Last evaluated: 2024-05-15. Review status: criteria provided, single submitter. Criteria: Myriad Autosomal Dominant, Autosomal Recessive and X-Linked Classification Criteria (2023). Collection method: clinical testing. Allele origin: unknown.
Comment: This variant is considered benign. This variant is a silent/synonymous amino acid change and it is not expected to impact splicing.

Blueprint Genetics
Classification: Likely benign. Last evaluated: 2023-05-29. Review status: criteria provided, single submitter. Criteria: ACMG Guidelines, 2015. Collection method: clinical testing. Allele origin: germline.

Color Diagnostics, LLC DBA Color Health
Classification: Likely benign for Hereditary cancer-predisposing syndrome. Last evaluated: 2016-05-29. Review status: criteria provided, single submitter. Criteria: ACMG Guidelines, 2015. Collection method: clinical testing. Allele origin: germline.